The following is an entry in ClinVar:

ClinVar aggregate classification (germline): Uncertain significance (1 of 4 stars; one submission).

Conditions:
Autoimmune lymphoproliferative syndrome type 1. Also called: AUTOIMMUNE LYMPHOPROLIFERATIVE SYNDROME, TYPE I, AUTOSOMAL DOMINANT. Identifiers: Orphanet 3261, MedGen C2717884, MONDO:0011158, OMIM 601859.

Submission:

Labcorp Genetics (formerly Invitae), Labcorp
Classification: Uncertain significance for Autoimmune lymphoproliferative syndrome. Last evaluated: 2023-12-23. Review status: criteria provided, single submitter. Criteria: Invitae Variant Classification Sherloc (09022015). Collection method: clinical testing. Allele origin: germline.
Comment: This sequence change replaces valine, which is neutral and non-polar, with phenylalanine, which is neutral and non-polar, at codon 254 of the FAS protein (p.Val254Phe). This variant is not present in population databases (gnomAD no frequency). This missense change has been observed in individual(s) with clinical features consistent with autoimmune lymphoproliferative syndrome (Invitae). ClinVar contains an entry for this variant (Variation ID: 1055284). Advanced modeling of protein sequence and biophysical properties (such as structural, functional, and spatial information, amino acid conservation, physicochemical variation, residue mobility, and thermodynamic stability) has been performed at Invitae for this missense variant, however the output from this modeling did not meet the statistical confidence thresholds required to predict the impact of this variant on FAS protein function. This variant disrupts the p.Val254 amino acid residue in FAS. Other variant(s) that disrupt this residue have been observed in individuals with FAS-related conditions (PMID: 22983578; Invitae), which suggests that this may be a clinically significant amino acid residue. In summary, the available evidence is currently insufficient to determine the role of this variant in disease. Therefore, it has been classified as a Variant of Uncertain Significance.

Literature cited by the submitters: PubMed 22983578.

NM_000043.6(FAS):c.760G>T (p.Val254Phe)

Gene: FAS (Fas cell surface death receptor; plus strand). Cytogenetic location: 10q23.31.
Variant type: single nucleotide variant.
Coding change: c.760G>T on transcript NM_000043.6 (MANE Select); coding-DNA position 760, G replaced by T.
Protein change: p.Val254Phe; replaces valine 254 with phenylalanine.
Molecular consequence: missense variant. On other transcripts: 3 prime UTR variant (2), non-coding transcript variant (7).
Genome position (GRCh38, 1-based): chr10:89,014,202, G>T. VCF-style: chr10-89014202-G-T. GRCh37 (hg19) VCF-style: chr10-90773959-G-T.
Other names: c.*83G>T (NM_001320619.2); c.697G>T, p.Val233Phe (NM_152871.4); c.*72G>T (NM_152872.4); short protein forms V233F, V254F.
Identifiers: ClinVar variation 1055284 (VCV001055284.10), dbSNP rs2119445796, ClinGen allele CA377509739.